The following is an entry in ClinVar:

ClinVar aggregate classification (germline): Conflicting classifications of pathogenicity. Review status: criteria provided, conflicting classifications (1 of 4 stars). 12 submissions from 12 submitters: Likely pathogenic (2); Uncertain significance (10). Last evaluated 2026-01-23.

Conditions:
Li-Fraumeni syndrome (LFS). Also called: Sarcoma family syndrome of Li and Fraumeni. Identifiers: Orphanet 524, MedGen C0085390, MONDO:0018875.
Familial colorectal cancer type X. Identifiers: Orphanet 440437, MedGen C3896578, MONDO:0018604.
Predisposition to cancer.
CHEK2-related disorder.
Hereditary cancer-predisposing syndrome. Also called: Tumor predisposition; Neoplastic Syndromes, Hereditary; Hereditary neoplastic syndrome; Hereditary Cancer Syndrome. Identifiers: Orphanet 140162, MedGen C0027672, MeSH D009386, MONDO:0015356.
CHEK2-related cancer predisposition (TPDS4). Also called: TUMOR PREDISPOSITION SYNDROME 4; CANCER PREDISPOSITION SYNDROME, CHEK2-RELATED; CHEK2-related cancer susceptibility. Identifiers: Orphanet 524, MedGen C5882668, MONDO:0700271, OMIM 609265.
Familial cancer of breast. Also called: BREAST CANCER, FAMILIAL; Hereditary breast cancer; hereditary breast carcinoma. Identifiers: Orphanet 227535, MedGen C0346153, MONDO:0016419, OMIM 114480. Disease mechanism: loss of function.

Allele frequency attached by ClinVar (database versions not stated): gnomAD 0.00002; gnomAD exomes 0.00002; TOPMed 0.00003.
gnomAD v4.1: 35 of 1,613,994 alleles (0.0022%); highest among the groups gnomAD compares: Non-Finnish European, 0.0029%; no homozygotes.

Submissions 1 to 9 of 12:

PreventionGenetics, part of Exact Sciences
Classification: Likely pathogenic for CHEK2-related condition. Last evaluated: 2026-01-23. Review status: criteria provided, single submitter. Criteria: ACMG Guidelines, 2015. Collection method: clinical testing. Allele origin: germline.
Comment: The CHEK2 c.428A>G variant is predicted to result in the amino acid substitution p.His143Arg. This variant has been reported in individuals with multiple cancer types including breast, colorectal, and ovarian cancer (Churpek et al. 2015. PubMed ID: 25428789; Yurgelun et al. 2015. PubMed ID: 25980754; Walsh et al. 2011. PubMed ID: 22006311). Functional studies using yeast assays showed this variant negatively impacts CHEK2 function (Walsh et al. 2011. PubMed ID: 22006311; Roeb et al. 2012. PubMed ID: 22419737). Kinase activity analysis using a human cell line with this variant showed functional impairment (Stolarova et al. 2023. PubMed ID: 37449874). This variant has not been reported in a large population database, indicating this variant is rare. This variant has conflicting interpretations in ClinVar ranging from uncertain to likely pathogenic (Variation ID: 142196). This variant is interpreted as likely pathogenic.

Color Diagnostics, LLC DBA Color Health
Classification: Uncertain significance for Hereditary cancer-predisposing syndrome. Last evaluated: 2025-11-25. Review status: criteria provided, single submitter. Criteria: ACMG Guidelines, 2015. Collection method: clinical testing. Allele origin: germline.
Comment: This missense variant replaces histidine with arginine at codon 143 of the CHEK2 protein. Computational prediction suggests that this variant may have deleterious impact on protein structure and function. This variant has been reported as defective in a yeast DNA damage complementation assay (PMID: 22006311, 22419737) and in in vitro kinase assays (PMID: 37449874). This variant has been reported in individuals affected with ovarian cancer (PMID: 22006311, 32546565), breast cancer (PMID: 25428789, 33471991, 36315513), and Lynch syndrome associated cancer and/or colorectal polyps (PMID: 25980754). This variant has been identified in 35/1613994 chromosomes in the general population by the Genome Aggregation Database (gnomAD). The available evidence is insufficient to determine the role of this variant in disease conclusively. Therefore, this variant is classified as a Variant of Uncertain Significance.

Labcorp Genetics (formerly Invitae), Labcorp
Classification: Uncertain significance for Familial cancer of breast. Last evaluated: 2025-11-10. Review status: criteria provided, single submitter. Criteria: Invitae Variant Classification Sherloc (09022015). Collection method: clinical testing. Allele origin: germline.
Comment: This sequence change replaces histidine, which is basic and polar, with arginine, which is basic and polar, at codon 143 of the CHEK2 protein (p.His143Arg). This variant is not present in population databases (gnomAD no frequency). This missense change has been observed in individual(s) with ovarian cancer, breast cancer, colorectal cancer and/or suspected Lynch syndrome (PMID: 22006311, 25428789, 25980754, 28779002, 28944238, 32546565). This variant is also known as p.His186Arg. ClinVar contains an entry for this variant (Variation ID: 142196). An algorithm developed to predict the effect of missense changes on protein structure and function (PolyPhen-2) suggests that this variant is likely to be disruptive. Experimental studies have shown that this missense change affects CHEK2 function (PMID: 22006311, 22419737, 37449874). In summary, the available evidence is currently insufficient to determine the role of this variant in disease. Therefore, it has been classified as a Variant of Uncertain Significance.

Ambry Genetics
Classification: Likely pathogenic for Hereditary cancer-predisposing syndrome. Last evaluated: 2025-08-04. Review status: criteria provided, single submitter. Criteria: Ambry Variant Classification Scheme 2023. Collection method: clinical testing. Allele origin: germline.
Comment: The p.H143R variant (also known as c.428A>G), located in coding exon 2 of the CHEK2 gene, results from an A to G substitution at nucleotide position 428. The histidine at codon 143 is replaced by arginine, an amino acid with highly similar properties. This alteration has been reported in individuals diagnosed with ovarian cancer (Walsh T et al. Proc. Natl. Acad. Sci. USA. 2011 Nov;108:18032-7; Song H et al. J Med Genet, 2021 05;58:305-313). This alteration has also been identified in numerous breast cancer cohorts as well as unaffected control groups across studies (Churpek JE et al. Breast Cancer Res. Treat., 2015 Jan;149:31-9; Decker B et al. J Med Genet, 2017 11;54:732-741; Dorling et al. N Engl J Med. 2021 02;384:428-439; McDonald JT et al. PLoS One, 2022 Oct;17:e0273835). This alteration was also identified in an individual diagnosed with colorectal cancer (DeRycke MS et al. Mol Genet Genomic Med, 2017 Sep;5:553-569). The p.H143R variant is located in the FHA functional domain of CHK2 and has been found to be non-functional in yeast-based in vivo functional assays (Ambry internal data; Roeb W et al. Hum. Mol. Genet. 2012 Jun;21:2738-44; Walsh T et al. Proc. Natl. Acad. Sci. USA. 2011 Nov;108:18032-7). Additionally, this alteration was reported as functionally impaired in a study assessing CHEK2-complementation through quantification of KAP1 phosphorylation and CHK2 autophosphorylation in human RPE1-CHEK2-knockout cells (Stolarova L et al. Clin Cancer Res, 2023 Aug;29:3037-3050).This amino acid position is highly conserved in available vertebrate species. In addition, this alteration is predicted to be deleterious by in silico analysis. This variant is considered to be rare based on population cohorts in the Genome Aggregation Database (gnomAD). Based on the majority of available evidence to date, this variant is likely to be pathogenic.

St. Jude Molecular Pathology, St. Jude Children's Research Hospital
Classification: Uncertain significance for Predisposition to cancer. Last evaluated: 2025-06-17. Review status: criteria provided, single submitter. Criteria: St. Jude Assertion Criteria 2020. Collection method: clinical testing. Allele origin: germline.
Comment: The CHEK2 c.428A>G p.(His143Arg) missense change is absent in gnomAD v2.1.1. The in silico tool REVEL predicts a deleterious effect on protein function and functional studies suggest that this variant results in impaired DNA damage repair activity (PMID: 22006311, 22419737). This variant has been reported in individuals with breast cancer and colorectal cancer (PMID: 25428789, 28944238, 33471991, 36315513). In summary, the evidence currently available is insufficient to determine the clinical significance of this variant. It has therefore been classified as of uncertain significance.

GeneDx
Classification: Uncertain significance. Last evaluated: 2024-05-17. Review status: criteria provided, single submitter. Criteria: GeneDx Variant Classification Process June 2021. Collection method: clinical testing. Allele origin: germline. Affected: yes.
Comment: Published functional studies suggest a damaging effect: loss of DNA damage response in yeast-based assays (Walsh et al., 2011; Roeb et al., 2012); Observed in individuals with a personal or family history of breast or ovarian cancer or with a Lynch syndrome-related cancer and/or polyps (PMID: 22006311, 22419737, 25428789, 25980754, 36315513, 34284872, 28944238, 28779002); Not observed at significant frequency in large population cohorts (gnomAD); In silico analysis supports that this missense variant has a deleterious effect on protein structure/function; This variant is associated with the following publications: (PMID: 22419737, 22006311, 25980754, 25428789, 36315513, 34284872, 28779002, 19782031, 33471991, 28944238)

Department of Pathology and Laboratory Medicine, Sinai Health System
Classification: Uncertain significance for Li-Fraumeni syndrome; Familial colorectal cancer type X. Last evaluated: 2024-05-07. Review status: criteria provided, single submitter. Criteria: ACMG Guidelines, 2015. Collection method: clinical testing. Allele origin: germline. Affected: yes.

Molecular Pathology, Peter Maccallum Cancer Centre
Classification: Uncertain significance for Familial cancer of breast. Last evaluated: 2024-04-27. Review status: criteria provided, single submitter. Criteria: ACMG Guidelines, 2015. Collection method: clinical testing. Allele origin: germline. Inheritance: Autosomal dominant inheritance.

Baylor Genetics
Classification: Uncertain significance for Familial cancer of breast. Last evaluated: 2024-03-15. Review status: criteria provided, single submitter. Criteria: ACMG Guidelines, 2015. Collection method: clinical testing. Allele origin: unknown.

NM_007194.4(CHEK2):c.428A>G (p.His143Arg)

Gene: CHEK2 (checkpoint kinase 2; minus strand). Cytogenetic location: 22q12.1.
Variant type: single nucleotide variant.
Coding change: c.428A>G on transcript NM_007194.4 (MANE Select); coding-DNA position 428, A replaced by G.
Protein change: p.His143Arg; replaces histidine 143 with arginine.
Molecular consequence: missense variant.
Genome position (GRCh38, 1-based): chr22:28,725,259, T>C on the plus strand (A>G on the coding strand, the complement: CHEK2 is on the minus strand). VCF-style: chr22-28725259-T-C. GRCh37 (hg19) VCF-style: chr22-29121247-T-C.
Other names: p.H143R:CAC>CGC; c.557A>G, p.His186Arg (NM_001005735.3); c.-350A>G (NM_001257387.3); c.428A>G, p.His143Arg (NM_001349956.3, NM_145862.3); short protein forms H143R, H186R.
Identifiers: ClinVar variation 142196 (VCV000142196.38), dbSNP rs587782300, ClinGen allele CA294315.
Genomic context (GRCh38, chr22:28,725,259, plus strand): 5'-CCAAATTACCAGCTCTCCTAGATACATGGGTATTCATTACCTACCCTGAAAATCCGAAAG[T>C]GTTTCTTGCTGTATGTTCGGTATTTATCTGTTCTTTTCAGCAGTGGTTCATCAAAGCAAT-3'
Protein context (NP_009125.1, residues 133-153): TDKYRTYSKK[His143Arg]FRIFREVGPK